The following is an entry in ClinVar:

NM_001854.4(COL11A1):c.4660A>C (p.Thr1554Pro)

Gene: COL11A1 (collagen type XI alpha 1 chain; minus strand). Cytogenetic location: 1p21.1.
Variant type: single nucleotide variant.
Coding change: c.4660A>C on transcript NM_001854.4 (MANE Select); coding-DNA position 4660, A replaced by C.
Protein change: p.Thr1554Pro; replaces threonine 1554 with proline.
Molecular consequence: missense variant. On other transcripts: non-coding transcript variant (1).
Genome position (GRCh38, 1-based): chr1:102,887,005, T>G on the plus strand (A>C on the coding strand, the complement: COL11A1 is on the minus strand). VCF-style: chr1-102887005-T-G. GRCh37 (hg19) VCF-style: chr1-103352561-T-G.
Other names: c.4543A>C, p.Thr1515Pro (NM_001190709.2); c.4696A>C, p.Thr1566Pro (NM_080629.3); c.4312A>C, p.Thr1438Pro (NM_080630.4); short protein forms T1438P, T1515P, T1554P, T1566P.
Identifiers: ClinVar variation 1302271 (VCV001302271.2), dbSNP rs2100840975, ClinGen allele CA341212140.
Genomic context (GRCh38, chr1:102,887,005, plus strand): 5'-CCGAGTAATCAAGAATATTATCATCTGCATCTGCTTGCATGCCTTCAGTATGTCTTCTCG[T>G]TTTTTTGGAGGACAAGATTGGTAAAGGCTGAATGACTTCACCAGGTGGACCCTGTAAAGA-3'
Protein context (NP_001845.3, residues 1544-1564): QPLPILSSKK[Thr1554Pro]RRHTEGMQAD

ClinVar aggregate classification (germline): Uncertain significance (1 of 4 stars; one submission).

Submission:

GeneDx
Classification: Uncertain significance. Last evaluated: 2019-04-08. Review status: criteria provided, single submitter. Criteria: GeneDx Variant Classification Process June 2021. Collection method: clinical testing. Allele origin: germline. Affected: yes.
Comment: Has not been previously published as pathogenic or benign to our knowledge; Not observed in large population cohorts (Lek et al., 2016); In silico analysis, which includes protein predictors and evolutionary conservation, supports that this variant does not alter protein structure/function; Not located in the triple helical region, where the majority of pathogenic missense variants occur (Stenson et al., 2014)